The following is an entry in ClinVar:

NM_001349253.2(SCN11A):c.2693G>A (p.Gly898Asp)

Gene: SCN11A (sodium voltage-gated channel alpha subunit 11; minus strand). Cytogenetic location: 3p22.2.
Variant type: single nucleotide variant.
Coding change: c.2693G>A on transcript NM_001349253.2 (MANE Select); coding-DNA position 2693, G replaced by A.
Protein change: p.Gly898Asp; replaces glycine 898 with aspartic acid.
Molecular consequence: missense variant.
Genome position (GRCh38, 1-based): chr3:38,894,675, C>T on the plus strand (G>A on the coding strand, the complement: SCN11A is on the minus strand). VCF-style: chr3-38894675-C-T. GRCh37 (hg19) VCF-style: chr3-38936166-C-T.
Other names: c.2693G>A, p.Gly898Asp (NM_014139.3); short protein forms G898D.
Identifiers: ClinVar variation 474710 (VCV000474710.5), dbSNP rs1301732976, ClinGen allele CA352174584.

ClinVar aggregate classification (germline): Uncertain significance (1 of 4 stars; one submission).

Conditions:
Hereditary sensory and autonomic neuropathy type 7. Also called: Neuropathy, hereditary sensory and autonomic, type VII; HSAN VII. Identifiers: Orphanet 391397, MedGen C3809882, MONDO:0014244, OMIM 615548.
Familial episodic pain syndrome with predominantly lower limb involvement. Also called: Episodic pain syndrome, familial, 3. Identifiers: Orphanet 391384, Orphanet 391392, MedGen C3809899, MONDO:0014247, OMIM 615552.

Allele frequency attached by ClinVar (database versions not stated): gnomAD 0.00001; gnomAD exomes 0.00001; TOPMed 0.00001.
gnomAD v4.1: 5 of 1,614,056 alleles (0.00031%); highest among the groups gnomAD compares: Non-Finnish European, 0.00034%; no homozygotes.

Submission:

Labcorp Genetics (formerly Invitae), Labcorp
Classification: Uncertain significance for Familial episodic pain syndrome with predominantly lower limb involvement; Hereditary sensory and autonomic neuropathy type 7. Last evaluated: 2022-04-12. Review status: criteria provided, single submitter. Criteria: Invitae Variant Classification Sherloc (09022015). Collection method: clinical testing. Allele origin: germline.
Comment: In summary, the available evidence is currently insufficient to determine the role of this variant in disease. Therefore, it has been classified as a Variant of Uncertain Significance. Algorithms developed to predict the effect of missense changes on protein structure and function output the following: SIFT: "Deleterious"; PolyPhen-2: "Benign"; Align-GVGD: "Class C0". The aspartic acid amino acid residue is found in multiple mammalian species, which suggests that this missense change does not adversely affect protein function. ClinVar contains an entry for this variant (Variation ID: 474710). This variant has not been reported in the literature in individuals affected with SCN11A-related conditions. This variant is not present in population databases (gnomAD no frequency). This sequence change replaces glycine, which is neutral and non-polar, with aspartic acid, which is acidic and polar, at codon 898 of the SCN11A protein (p.Gly898Asp).